The following is an entry in ClinVar:

ClinVar aggregate classification (germline): Uncertain significance (1 of 4 stars; one submission).

Conditions:
Xeroderma pigmentosum, group F (XPF). Also called: ERCC4-Related Xeroderma Pigmentosum; XERODERMA PIGMENTOSUM, COMPLEMENTATION GROUP F; XERODERMA PIGMENTOSUM VI; XP, GROUP F; XERODERMA PIGMENTOSUM, TYPE F; Xeroderma pigmentosum, type 6. Identifiers: MedGen C0268140, MONDO:0010215, OMIM 278760.
Fanconi anemia complementation group Q. Identifiers: Orphanet 84, MedGen C3808988, MONDO:0014108, OMIM 615272.
Cockayne syndrome. Identifiers: Orphanet 191, MedGen C0009207, MONDO:0016006.

Allele frequency attached by ClinVar (database versions not stated): gnomAD exomes below 0.00001; ExAC 0.00001.
gnomAD v4.1: 5 of 1,611,884 alleles (0.00031%); highest among the groups gnomAD compares: East Asian, 0.011%; no homozygotes.

Submission:

Labcorp Genetics (formerly Invitae), Labcorp
Classification: Uncertain significance for Fanconi anemia complementation group Q; Xeroderma pigmentosum, group F; Cockayne syndrome. Last evaluated: 2023-12-06. Review status: criteria provided, single submitter. Criteria: Invitae Variant Classification Sherloc (09022015). Collection method: clinical testing. Allele origin: germline.
Comment: This sequence change replaces alanine, which is neutral and non-polar, with threonine, which is neutral and polar, at codon 349 of the ERCC4 protein (p.Ala349Thr). This variant is present in population databases (rs201410515, gnomAD 0.006%). This variant has not been reported in the literature in individuals affected with ERCC4-related conditions. ClinVar contains an entry for this variant (Variation ID: 573650). Advanced modeling of protein sequence and biophysical properties (such as structural, functional, and spatial information, amino acid conservation, physicochemical variation, residue mobility, and thermodynamic stability) performed at Invitae indicates that this missense variant is not expected to disrupt ERCC4 protein function with a negative predictive value of 80%. In summary, the available evidence is currently insufficient to determine the role of this variant in disease. Therefore, it has been classified as a Variant of Uncertain Significance.

NM_005236.3(ERCC4):c.1045G>A (p.Ala349Thr)

Gene: ERCC4 (ERCC excision repair 4, endonuclease catalytic subunit; plus strand). Cytogenetic location: 16p13.12.
Variant type: single nucleotide variant.
Coding change: c.1045G>A on transcript NM_005236.3 (MANE Select); coding-DNA position 1045, G replaced by A.
Protein change: p.Ala349Thr; replaces alanine 349 with threonine.
Molecular consequence: missense variant.
Genome position (GRCh38, 1-based): chr16:13,932,228, G>A. VCF-style: chr16-13932228-G-A. GRCh37 (hg19) VCF-style: chr16-14026085-G-A.
Other names: short protein forms A349T.
Identifiers: ClinVar variation 573650 (VCV000573650.7), dbSNP rs201410515, ClinGen allele CA7910345.